The following is an entry in ClinVar:

ClinVar aggregate classification (germline): Pathogenic (1 of 4 stars; one submission).

Conditions:
Osteogenesis imperfecta type I (OI1). Also called: Classic Non-deforming Osteogenesis Imperfecta with Blue Sclerae; Lobstein disease; OI, TYPE I; OSTEOGENESIS IMPERFECTA TARDA; OSTEOGENESIS IMPERFECTA WITH BLUE SCLERAE; Osteogenesis imperfecta type 1. Identifiers: Orphanet 216796, Orphanet 666, MedGen C0023931, MONDO:0008146, OMIM 166200. Disease mechanism: loss of function.

Submission:

Clinical Biomedical Laboratory, Shriners Hospital For Children - Canada
Classification: Pathogenic for Osteogenesis imperfecta type I. Last evaluated: 2025-07-16. Review status: criteria provided, single submitter. Criteria: ACMG Guidelines, 2015. Collection method: clinical testing. Allele origin: germline. Affected: yes.
Comment: This variant is predicted to substitute a glycine residue by a valine residue in the alpha 2 chain of collagen type I. Glycine substitutions in the triple helical domain of collagen type I cause disruption in the formation of the triple helix in the collagen molecule and are a typical cause of osteogenesis imperfecta. This variant is absent from the Genome Aggregation Database v.2.1.1, indicating it is very rare. Prediction tools (REVEL: 0.96) suggest that the change is detrimental to protein function.

NM_000089.4(COL1A2):c.911G>T (p.Gly304Val)

Gene: COL1A2 (collagen type I alpha 2 chain; plus strand). Cytogenetic location: 7q21.3.
Variant type: single nucleotide variant.
Coding change: c.911G>T on transcript NM_000089.4 (MANE Select); coding-DNA position 911, G replaced by T.
Protein change: p.Gly304Val; replaces glycine 304 with valine.
Molecular consequence: missense variant.
Genome position (GRCh38, 1-based): chr7:94,409,583, G>T. VCF-style: chr7-94409583-G-T. GRCh37 (hg19) VCF-style: chr7-94038895-G-T.
Other names: short protein forms G304V.
Identifiers: ClinVar variation 4075366 (VCV004075366.1).
Genomic context (GRCh38, chr7:94,409,583, plus strand): 5'-TCCAATTAACTGATATCCTTCTCCTTTCCTTTTCCTCATAGGGTAATCCTGGAGCAAACG[G>T]CCTTACTGGTGCCAAGGGTGCTGCTGTGAGTATACCTGCGTAGCTAAAATGTGCTGCTAT-3'
Protein context (NP_000080.2, residues 294-314): VGPPGNPGAN[Gly304Val]LTGAKGAAGL